The following is an entry in ClinVar:

ClinVar aggregate classification (germline): Uncertain significance. Review status: criteria provided, multiple submitters, no conflicts (2 of 4 stars). 2 submissions from 2 submitters: Uncertain significance (2). Last evaluated 2026-06-16.

Conditions:
Hereditary cancer-predisposing syndrome. Also called: Hereditary Cancer Syndrome; Tumor predisposition; Neoplastic Syndromes, Hereditary; Hereditary neoplastic syndrome. Identifiers: Orphanet 140162, MedGen C0027672, MeSH D009386, MONDO:0015356.

gnomAD v4.1: 1 of 1,612,388 alleles (0.000062%); no homozygotes.

Submissions (2):

Ambry Genetics
Classification: Uncertain significance for Hereditary cancer-predisposing syndrome. Last evaluated: 2026-06-16. Review status: criteria provided, single submitter. Criteria: Ambry Variant Classification Scheme 2023. Collection method: clinical testing. Allele origin: germline.
Comment: The p.W275R variant (also known as c.823T>C), located in coding exon 6 of the NTHL1 gene, results from a T to C substitution at nucleotide position 823. The tryptophan at codon 275 is replaced by arginine, an amino acid with dissimilar properties. This amino acid position is conserved. In addition, this alteration is predicted to be deleterious by in silico analysis. Based on the available evidence, the clinical significance of this variant remains unclear.

Labcorp Genetics (formerly Invitae), Labcorp
Classification: Uncertain significance. Last evaluated: 2021-03-31. Review status: criteria provided, single submitter. Criteria: Invitae Variant Classification Sherloc (09022015). Collection method: clinical testing. Allele origin: germline.
Comment: In summary, the available evidence is currently insufficient to determine the role of this variant in disease. Therefore, it has been classified as a Variant of Uncertain Significance. Algorithms developed to predict the effect of missense changes on protein structure and function are either unavailable or do not agree on the potential impact of this missense change (SIFT: "Not Available"; PolyPhen-2: "Possibly Damaging"; Align-GVGD: "Not Available"). This variant has not been reported in the literature in individuals with NTHL1-related conditions. This variant is not present in population databases (ExAC no frequency). This sequence change replaces tryptophan with arginine at codon 275 of the NTHL1 protein (p.Trp275Arg). The tryptophan residue is highly conserved and there is a moderate physicochemical difference between tryptophan and arginine.

NM_002528.7(NTHL1):c.799T>C (p.Trp267Arg)

Gene: NTHL1 (nth like DNA glycosylase 1; minus strand). Cytogenetic location: 16p13.3.
Variant type: single nucleotide variant.
Coding change: c.799T>C on transcript NM_002528.7 (MANE Select); coding-DNA position 799, T replaced by C.
Protein change: p.Trp267Arg; replaces tryptophan 267 with arginine.
Molecular consequence: missense variant.
Genome position (GRCh38, 1-based): chr16:2,040,040, A>G on the plus strand (T>C on the coding strand, the complement: NTHL1 is on the minus strand). VCF-style: chr16-2040040-A-G. GRCh37 (hg19) VCF-style: chr16-2090041-A-G.
Other names: c.628T>C, p.Trp210Arg (NM_001318193.2); c.469T>C, p.Trp157Arg (NM_001318194.2); c.823T>C (NM_002528.5); short protein forms W157R, W267R, W210R.
Identifiers: ClinVar variation 1463797 (VCV001463797.7), dbSNP rs2150937963, ClinGen allele CA394287602.